The following is an entry in ClinVar:

NM_000388.4(CASR):c.3204C>T (p.Gly1068=)

Gene: CASR (calcium sensing receptor; plus strand). Cytogenetic location: 3q21.1.
Variant type: single nucleotide variant.
Coding change: c.3204C>T on transcript NM_000388.4 (MANE Select); coding-DNA position 3204, C replaced by T.
Protein change: p.Gly1068=; no amino-acid change (glycine 1068 retained).
Molecular consequence: synonymous variant.
Genome position (GRCh38, 1-based): chr3:122,285,158, C>T. VCF-style: chr3-122285158-C-T. GRCh37 (hg19) VCF-style: chr3-122004005-C-T.
Other names: c.3234C>T, p.Gly1078= (NM_001178065.2); c.3234C>T (NM_001178065.1).
Identifiers: ClinVar variation 838095 (VCV000838095.12), dbSNP rs373902031, ClinGen allele CA435425679.

ClinVar aggregate classification (germline): Likely benign. Review status: criteria provided, multiple submitters, no conflicts (2 of 4 stars). 3 submissions from 3 submitters: Likely benign (3). Last evaluated 2026-07-23.

Conditions:
Autosomal dominant hypocalcemia 1 (HYPOC1). Also called: HYPOCALCEMIA, FAMILIAL. Identifiers: MedGen C3715128, MONDO:0011013, OMIM 601198.
Familial hypocalciuric hypercalcemia (FHH). Also called: Familial benign hypercalcemia. Identifiers: Orphanet 405, MedGen C1809471, MONDO:0018458.
CASR-related disorder. Also called: CASR-related condition.
Nephrolithiasis/nephrocalcinosis. Identifiers: MedGen CN580796.

gnomAD v4.1: 3 of 1,614,110 alleles (0.00019%); highest among the groups gnomAD compares: Non-Finnish European, 0.00025%; no homozygotes.

Submissions (3):

PreventionGenetics, part of Exact Sciences
Classification: Likely benign for CASR-related condition. Last evaluated: 2026-07-23. Review status: criteria provided, single submitter. Criteria: ACMG Guidelines, 2015. Collection method: clinical testing. Allele origin: germline.
Comment: This variant is classified as likely benign based on ACMG/AMP sequence variant interpretation guidelines (Richards et al. 2015 PMID: 25741868, with internal and published modifications).

Ambry Genetics
Classification: Likely benign for Nephrolithiasis/nephrocalcinosis. Last evaluated: 2023-10-15. Review status: criteria provided, single submitter. Criteria: Ambry Variant Classification Scheme 2023. Collection method: clinical testing. Allele origin: germline.

Labcorp Genetics (formerly Invitae), Labcorp
Classification: Likely benign for Familial hypocalciuric hypercalcemia; Autosomal dominant hypocalcemia 1. Last evaluated: 2022-09-01. Review status: criteria provided, single submitter. Criteria: Invitae Variant Classification Sherloc (09022015). Collection method: clinical testing. Allele origin: germline.